The following is an entry in ClinVar:

NM_000016.6(ACADM):c.1238G>A (p.Arg413His)

Gene: ACADM (acyl-CoA dehydrogenase medium chain; plus strand). Cytogenetic location: 1p31.1.
Variant type: single nucleotide variant.
Coding change: c.1238G>A on transcript NM_000016.6 (MANE Select); coding-DNA position 1238, G replaced by A.
Protein change: p.Arg413His; replaces arginine 413 with histidine.
Molecular consequence: missense variant.
Genome position (GRCh38, 1-based): chr1:75,762,735, G>A. VCF-style: chr1-75762735-G-A. GRCh37 (hg19) VCF-style: chr1-76228420-G-A.
Other names: c.1250G>A, p.Arg417His (NM_001127328.3); c.1130G>A, p.Arg377His (NM_001286042.2); c.1337G>A, p.Arg446His (NM_001286043.2); c.671G>A, p.Arg224His (NM_001286044.2); short protein forms R413H, R377H, R224H, R417H, R446H.
Identifiers: ClinVar variation 458790 (VCV000458790.23), dbSNP rs1337929727, ClinGen allele CA340818477.
Genomic context (GRCh38, chr1:75,762,735, plus strand): 5'-TTATATTTTTCTTGCAGATTTATGAAGGTACTTCACAAATTCAAAGACTTATTGTAGCCC[G>A]TGAACACATTGACAAGTACAAAAATTAAAAAAATTACTGTAGAAATATTGAATAACTAGA-3'
Protein context (NP_000007.1, residues 403-421): TSQIQRLIVA[Arg413His]EHIDKYKN

ClinVar aggregate classification (germline): Conflicting classifications of pathogenicity. Review status: criteria provided, conflicting classifications (1 of 4 stars). 8 submissions from 8 submitters: Pathogenic (1); Likely pathogenic (6); Uncertain significance (1). Last evaluated 2025-12-22.

Conditions:
ACADM-related disorder. Also called: ACADM-related condition.
Medium-chain acyl-coenzyme A dehydrogenase deficiency (ACADMD). Also called: Medium chain acyl-CoA dehydrogenase deficiency; MCADD; MCAD Deficiency; MCADH DEFICIENCY; ACADM DEFICIENCY; CARNITINE DEFICIENCY SECONDARY TO MEDIUM-CHAIN ACYL-CoA DEHYDROGENASE DEFICIENCY. Identifiers: Orphanet 42, MedGen C0220710, MONDO:0008721, OMIM 201450.

Allele frequency attached by ClinVar (database versions not stated): gnomAD 0.00001; gnomAD exomes 0.00001 and 0.00002; TOPMed 0.00001.
gnomAD v4.1: 17 of 1,606,524 alleles (0.0011%); highest among the groups gnomAD compares: Admixed American, 0.0067%; no homozygotes.

Submissions (8):

Natera, Inc.
Classification: Likely pathogenic for Medium Chain Acyl-CoA Dehydrogenase Deficiency. Last evaluated: 2025-12-22. Review status: criteria provided, single submitter. Criteria: Natera Variant Classification Schema (03/2026). Collection method: clinical testing. Allele origin: germline.
Comment: The c.1238G>A variant in ACADM is a missense variant predicted to cause substitution of arginine to histidine at amino acid 413. This variant is rare in the general population with a frequency below the threshold expected for the associated phenotype(s). This variant has been observed in one or more individuals affected with the associated recessive disease, as either homozygous or compound heterozygous with a second variant (PMID: 20434380, 36068006). A different variant at the same position has been determined to be Pathogenic or Likely Pathogenic. Computational prediction algorithms indicate this variant is likely to affect gene or protein function. Given the available evidence, this variant is classified as Likely Pathogenic.

Labcorp Genetics (formerly Invitae), Labcorp
Classification: Pathogenic for Medium-chain acyl-coenzyme A dehydrogenase deficiency. Last evaluated: 2025-07-01. Review status: criteria provided, single submitter. Criteria: Invitae Variant Classification Sherloc (09022015). Collection method: clinical testing. Allele origin: germline.
Comment: This sequence change replaces arginine, which is basic and polar, with histidine, which is basic and polar, at codon 413 of the ACADM protein (p.Arg413His). This variant is present in population databases (no rsID available, gnomAD 0.006%). This missense change has been observed in individual(s) with MCAD deficiency (PMID: 20434380, 30838026; internal data). ClinVar contains an entry for this variant (Variation ID: 458790). Invitae Evidence Modeling of protein sequence and biophysical properties (such as structural, functional, and spatial information, amino acid conservation, physicochemical variation, residue mobility, and thermodynamic stability) has been performed for this missense variant. However, the output from this modeling did not meet the statistical confidence thresholds required to predict the impact of this variant on ACADM protein function. This variant disrupts the p.Arg413 amino acid residue in ACADM. Other variant(s) that disrupt this residue have been determined to be pathogenic (PMID: 15832312, 19224950, 24718418). This suggests that this residue is clinically significant, and that variants that disrupt this residue are likely to be disease-causing. For these reasons, this variant has been classified as Pathogenic.

Women's Health and Genetics/Laboratory Corporation of America, LabCorp
Classification: Likely pathogenic for Medium-chain acyl-coenzyme A dehydrogenase deficiency. Last evaluated: 2025-06-04. Review status: criteria provided, single submitter. Criteria: LabCorp Variant Classification Summary - May 2015. Collection method: clinical testing. Allele origin: germline.
Comment: Variant summary: ACADM c.1238G>A (p.Arg413His) results in a non-conservative amino acid change located in the Acyl-CoA dehydrogenase/oxidase C-terminal domain (IPR009075) of the encoded protein sequence. Algorithms developed to predict the effect of missense changes on protein structure and function all suggest that this variant is likely to be disruptive. The variant allele was found at a frequency of 2e-05 in 249928 control chromosomes. c.1238G>A has been observed in individual(s) affected with Medium Chain Acyl-CoA Dehydrogenase Deficiency (examples: Smith_2010, Wang_2019, Yang_2019, Internal data). Additionally, another variant at the same residue, R413C, was found in individuals affected with Inborn error of metabolism (HGMD, Adhikari_2020), indicating the arginine residue is critical for protein function. These data indicate that the variant may be associated with disease. The following publications have been ascertained in the context of this evaluation (PMID: 32778825, 27477829, 27308838, 20434380, 31737040, 31620161, 30838026, 33514801). ClinVar contains an entry for this variant (Variation ID: 458790). Based on the evidence outlined above, the variant was classified as likely pathogenic.

Fulgent Genetics
Classification: Likely pathogenic for Medium-chain acyl-coenzyme A dehydrogenase deficiency. Last evaluated: 2024-04-17. Review status: criteria provided, single submitter. Criteria: ACMG Guidelines, 2015. Collection method: clinical testing. Allele origin: germline.

Baylor Genetics
Classification: Likely pathogenic for Medium-chain acyl-coenzyme A dehydrogenase deficiency. Last evaluated: 2024-02-19. Review status: criteria provided, single submitter. Criteria: ACMG Guidelines, 2015. Collection method: clinical testing. Allele origin: unknown.

Myriad Genetics, Inc.
Classification: Likely pathogenic for Medium-chain acyl-coenzyme A dehydrogenase deficiency. Last evaluated: 2021-11-01. Review status: criteria provided, single submitter. Criteria: Myriad Women's Health Autosomal Recessive and X-Linked Classification Criteria (2021). Collection method: clinical testing. Allele origin: unknown.
Comment: NM_000016.4(ACADM):c.1238G>A(R413H) is a missense variant classified as likely pathogenic in the context of medium chain acyl-CoA dehydrogenase deficiency. R413H has been observed in cases with relevant disease (PMID: 33514801, 20434380, 31620161). Functional assessments of this variant are not available in the literature. R413H has been observed in population frequency databases (gnomAD: AMR 0.01%). In summary, NM_000016.4(ACADM):c.1238G>A(R413H) is a missense variant that has been observed more frequently in cases with the relevant disease than in healthy populations. Please note: this variant was assessed in the context of healthy population screening.

Blueprint Genetics
Classification: Likely pathogenic for ACADM-related disorders. Last evaluated: 2020-12-02. Review status: criteria provided, single submitter. Criteria: ACMG Guidelines, 2015. Collection method: clinical testing. Allele origin: germline. Affected: yes. Observed: 1 variant allele.

Quest Diagnostics Nichols Institute San Juan Capistrano
Classification: Uncertain significance. Last evaluated: 2018-01-18. Review status: criteria provided, single submitter. Criteria: Quest Diagnostics criteria. Collection method: clinical testing. Allele origin: germline.

Literature cited by the submitters: PubMed 20434380 (cited by 4 submitters); PubMed 36068006 (cited by Natera, Inc.); PubMed 30838026 (cited by Labcorp Genetics (formerly Invitae), Labcorp and Women's Health and Genetics/Laboratory Corporation of America, LabCorp); PubMed 15832312 (cited by Labcorp Genetics (formerly Invitae), Labcorp); PubMed 19224950 (cited by Labcorp Genetics (formerly Invitae), Labcorp); PubMed 24718418 (cited by Labcorp Genetics (formerly Invitae), Labcorp); PubMed 27308838 (cited by Women's Health and Genetics/Laboratory Corporation of America, LabCorp); PubMed 27477829 (cited by Women's Health and Genetics/Laboratory Corporation of America, LabCorp); PubMed 31620161 (cited by Women's Health and Genetics/Laboratory Corporation of America, LabCorp and Myriad Genetics, Inc.); PubMed 32778825 (cited by Women's Health and Genetics/Laboratory Corporation of America, LabCorp); PubMed 31737040 (cited by Women's Health and Genetics/Laboratory Corporation of America, LabCorp); PubMed 33514801 (cited by Women's Health and Genetics/Laboratory Corporation of America, LabCorp and Myriad Genetics, Inc.).